The following is an entry in ClinVar:

ClinVar aggregate classification (germline): Uncertain significance (1 of 4 stars; one submission).

Conditions:
Hyperphosphatasia with intellectual disability syndrome 5 (GPIBD11). Also called: GLYCOSYLPHOSPHATIDYLINOSITOL BIOSYNTHESIS DEFECT 11. Identifiers: Orphanet 247262, MedGen C4014958, MONDO:0014457, OMIM 616025.

gnomAD v4.1: 23 of 1,614,036 alleles (0.0014%); highest among the groups gnomAD compares: Middle Eastern, 0.016%; no homozygotes.

Submission:

Labcorp Genetics (formerly Invitae), Labcorp
Classification: Uncertain significance for Hyperphosphatasia with intellectual disability syndrome 5. Last evaluated: 2022-03-26. Review status: criteria provided, single submitter. Criteria: Invitae Variant Classification Sherloc (09022015). Collection method: clinical testing. Allele origin: germline.
Comment: This sequence change replaces arginine, which is basic and polar, with glutamine, which is neutral and polar, at codon 330 of the PIGW protein (p.Arg330Gln). This variant is present in population databases (rs147971755, gnomAD 0.003%). This variant has not been reported in the literature in individuals affected with PIGW-related conditions. Algorithms developed to predict the effect of missense changes on protein structure and function are either unavailable or do not agree on the potential impact of this missense change (SIFT: "Tolerated"; PolyPhen-2: "Probably Damaging"; Align-GVGD: "Class C0"). In summary, the available evidence is currently insufficient to determine the role of this variant in disease. Therefore, it has been classified as a Variant of Uncertain Significance.

NM_001346754.2(PIGW):c.989G>A (p.Arg330Gln)

Genes: MYO19 (myosin XIX; minus strand), PIGW (phosphatidylinositol glycan anchor biosynthesis class W; plus strand). Cytogenetic location: 17q12.
Variant type: single nucleotide variant.
Coding change: c.989G>A on transcript NM_001346754.2 (MANE Select); coding-DNA position 989, G replaced by A.
Protein change: p.Arg330Gln; replaces arginine 330 with glutamine.
Molecular consequence: missense variant.
Genome position (GRCh38, 1-based): chr17:36,538,090, G>A. VCF-style: chr17-36538090-G-A. GRCh37 (hg19) VCF-style: chr17-34893939-G-A.
Other names: c.989G>A, p.Arg330Gln (NM_001346755.2, NM_178517.5); short protein forms R330Q.
Identifiers: ClinVar variation 1356769 (VCV001356769.3), dbSNP rs147971755, ClinGen allele CA290116464.
Genomic context (GRCh38, chr17:36,538,090, plus strand): 5'-TGGGGTATGTGGCAATACACATGGCTGGTGTGCAAACAGGGTTATATATGCATAAGAACC[G>A]ATCACATATCAAAGACTTGATAAAAGTAGCCTGTTTTCTTTTACTGGCAGCTATTAGCCT-3'
Protein context (NP_001333683.1, residues 320-340): VQTGLYMHKN[Arg330Gln]SHIKDLIKVA